The following is an entry in ClinVar:

NM_025179.4(PLXNA2):c.3161+3G>A

Gene: PLXNA2 (plexin A2; minus strand). Cytogenetic location: 1q32.2.
Variant type: single nucleotide variant.
Coding change: c.3161+3G>A on transcript NM_025179.4 (MANE Select); 3 bases into the intron after coding-DNA position 3161, G replaced by A.
Molecular consequence: intron variant.
Genome position (GRCh38, 1-based): chr1:208,051,253, C>T on the plus strand (G>A on the coding strand, the complement: PLXNA2 is on the minus strand). VCF-style: chr1-208051253-C-T. GRCh37 (hg19) VCF-style: chr1-208224598-C-T.
Identifiers: ClinVar variation 4979707 (VCV004979707.1).

ClinVar aggregate classification (germline): Likely benign (1 of 4 stars; one submission).

Conditions:
PLXNA2-related disorder. Also called: PLXNA2-related condition.

gnomAD v4.1: 2 of 1,603,860 alleles (0.00012%); highest among the groups gnomAD compares: East Asian, 0.0022%; no homozygotes.

Submission:

PreventionGenetics, part of Exact Sciences
Classification: Likely benign for PLXNA2-related condition. Last evaluated: 2024-12-18. Review status: criteria provided, single submitter. Criteria: ACMG Guidelines, 2015. Collection method: clinical testing. Allele origin: germline.
Comment: This variant is classified as likely benign based on ACMG/AMP sequence variant interpretation guidelines (Richards et al. 2015 PMID: 25741868, with internal and published modifications).